The following is an entry in ClinVar:

NM_001278298.2(COL6A5):c.4699-9G>C

Gene: COL6A5 (collagen type VI alpha 5 chain; plus strand). Cytogenetic location: 3q22.1.
Variant type: single nucleotide variant.
Coding change: c.4699-9G>C on transcript NM_001278298.2 (MANE Select); 9 bases into the intron before coding-DNA position 4699, G replaced by C.
Molecular consequence: intron variant.
Genome position (GRCh38, 1-based): chr3:130,414,060, G>C. VCF-style: chr3-130414060-G-C. GRCh37 (hg19) VCF-style: chr3-130132904-G-C.
Other names: c.4699-9G>C (NM_153264.7).
Identifiers: ClinVar variation 3049828 (VCV003049828.2), dbSNP rs56014961, ClinGen allele CA82657030.
Genomic context (GRCh38, chr3:130,414,060, plus strand): 5'-GTATGAAAAGAAAATCTATATGGAAACAACGTGTAGAAATGCTTGACACTGGAAACTCTT[G>C]TTCATCAGGGAGAACCAGGAAATCCTGGACCTACAGGCACATTGGGAGCTGAAGGATTAC-3'

ClinVar aggregate classification (germline): Likely benign (0 of 4 stars; one submission).

Conditions:
COL6A5-related disorder. Also called: COL6A5-related condition.

Allele frequency attached by ClinVar (database versions not stated): gnomAD exomes 0.00105; TOPMed 0.01452.

Submission:

PreventionGenetics, part of Exact Sciences
Classification: Likely benign for COL6A5-related condition. Last evaluated: 2022-04-11. Review status: no assertion criteria provided. Collection method: clinical testing. Allele origin: germline.
Comment: This variant is classified as likely benign based on ACMG/AMP sequence variant interpretation guidelines (Richards et al. 2015 PMID: 25741868, with internal and published modifications).